The following is an entry in ClinVar:

NM_000321.3(RB1):c.862-20T>C

Gene: RB1 (RB transcriptional corepressor 1; plus strand). Cytogenetic location: 13q14.2.
Variant type: single nucleotide variant.
Coding change: c.862-20T>C on transcript NM_000321.3 (MANE Select); 20 bases into the intron before coding-DNA position 862, T replaced by C.
Molecular consequence: intron variant.
Genome position (GRCh38, 1-based): chr13:48,364,874, T>C. VCF-style: chr13-48364874-T-C. GRCh37 (hg19) VCF-style: chr13-48939010-T-C.
Identifiers: ClinVar variation 1579431 (VCV001579431.9), dbSNP rs1042945773, ClinGen allele CA249275340.
Genomic context (GRCh38, chr13:48,364,874, plus strand): 5'-TACCCTGCATTGTTCAAGAGTCAAGAGATTAGATTTTGTTTTAAATTTTAATGATCATGT[T>C]GTAACTTCATCTTTTTCAGGTGAAAAATGTTTATTTCAAAAATTTTATACCTTTTATGAA-3'

ClinVar aggregate classification (germline): Likely benign. Review status: criteria provided, multiple submitters, no conflicts (2 of 4 stars). 2 submissions from 2 submitters: Likely benign (2). Last evaluated 2026-06-18.

Conditions:
Retinoblastoma (RB1). Also called: RETINOBLASTOMA, SOMATIC. Identifiers: Orphanet 790, MedGen C0035335, MeSH D012175, MONDO:0008380, OMIM 180200, HP:0009919. Disease mechanism: loss of function. Inheritance: Both sporadic and heritable forms are tested..

Allele frequency attached by ClinVar (database versions not stated): gnomAD 0.00009; TOPMed 0.00017; gnomAD exomes 0.00006.
gnomAD v4.1: 24 of 1,548,182 alleles (0.0016%); highest among the groups gnomAD compares: Admixed American, 0.045%; 1 homozygote.

Submissions (2):

Myriad Genetics, Inc.
Classification: Likely benign for Retinoblastoma. Last evaluated: 2026-06-18. Review status: criteria provided, single submitter. Criteria: Myriad Autosomal Dominant, Autosomal Recessive and X-Linked Classification Criteria (2023). Collection method: clinical testing. Allele origin: unknown.
Comment: This variant is considered likely benign. This variant is intronic and is not expected to impact mRNA splicing.

Labcorp Genetics (formerly Invitae), Labcorp
Classification: Likely benign for Retinoblastoma. Last evaluated: 2026-01-28. Review status: criteria provided, single submitter. Criteria: Invitae Variant Classification Sherloc (09022015). Collection method: clinical testing. Allele origin: germline.